The following is an entry in ClinVar:

ClinVar aggregate classification (germline): Pathogenic. Review status: reviewed by expert panel (3 of 4 stars). 11 submissions from 11 submitters: Pathogenic (1). 10 of the submissions do not count toward it. Last evaluated 2025-05-14.

Conditions:
Muscular dystrophy, limb-girdle, autosomal dominant 4. Also called: MUSCULAR DYSTROPHY, LIMB-GIRDLE, TYPE 1I; Calpain-3-related limb-girdle muscular dystrophy D4. Identifiers: Orphanet 565909, MedGen C4748295, MONDO:0029133, OMIM 618129.
Autosomal recessive limb-girdle muscular dystrophy. Identifiers: Orphanet 102015, MedGen C2931907, MONDO:0015152.
Autosomal recessive limb-girdle muscular dystrophy type 2A (LGMDR1). Also called: Limb-girdle muscular dystrophy, type 2A; LEYDEN-MOEBIUS MUSCULAR DYSTROPHY; MUSCULAR DYSTROPHY, PELVOFEMORAL; Calpainopathy; Muscular dystrophy, limb-girdle, type 2A, Amish. Identifiers: Orphanet 267, MedGen C1869123, MONDO:0009675, OMIM 253600. Disease mechanism: loss of function.

Allele frequency attached by ClinVar (database versions not stated): TOPMed below 0.00001; gnomAD exomes 0.00001.
gnomAD v4.1: 9 of 1,611,836 alleles (0.00056%); highest among the groups gnomAD compares: Middle Eastern, 0.022%; no homozygotes.

Submissions (11):

ClinGen Limb Girdle Muscular Dystrophy Variant Curation Expert Panel, ClinGen
Classification: Pathogenic for Autosomal recessive limb-girdle muscular dystrophy. Last evaluated: 2025-05-14. Review status: reviewed by expert panel. Criteria: ClinGen LGMD VCEP ACMG Specifications CAPN3 V1.0.0. Collection method: curation. Allele origin: germline. Inheritance: Autosomal recessive inheritance.
Comment: The NM_000070.3: c.2105C>T variant in CAPN3 is a missense variant expected to result in the substitution of alanine with valine at amino acid 702, p.(Ala702Val). This variant has been detected in at least 11 individuals with features consistent with LGMD (PMID: 19556129; 31937337; 35741838; 16141003; 27066573; 16650086; ClinVar SCV001218172.5 internal data communication). Five seemingly unrelated patients were homozygous, with familial consanguinity reported in four (0.25 pts x4, 0.5 pts x1, capped at 1.0 pt). Two patients had a likely pathogenic or pathogenic CAPN3 variant confirmed in trans (c.1993-1G>A, 1.0 pt, ClinVar SCV001218172.5 internal data communication; c.1981del p.(Gln660_Ile661insTer), 1.0 pt, PMID: 19556129), and two patients had a pathogenic variant in unknown phase (c.2120A>G (p.Asp707Gly), 0.5 pts, PMID: 27066573; c.2362_2363delinsTCATCT (p.Arg788SerfsTer14), 0.5 pts, PMID: 35741838) (PM3_Very Strong). At least one patient with this variant and a second presumed diagnostic CAPN3 variant displayed progressive limb girdle muscle weakness and absent expression of calpain-3 protein in skeletal muscle, which is highly specific for CAPN3-related LGMD (PMID: 19556129) (PP4_Strong). The filtering allele frequency of this variant is 0.000011828 in gnomAD v4.1.0 exomes (the upper bound of the 95% confidence interval of 7/1111640 European (non-Finnish) chromosomes), which is lower than the LGMD VCEP threshold for PM2_Supporting, meeting this criterion (PM2_Supporting). The computational predictor REVEL gives a score of 0.77, which is above the LGMD VCEP threshold of ≥0.70, evidence that correlates with impact to CAPN3 function (PP3). In summary, this variant meets the criteria to be classified as Pathogenic for autosomal recessive limb girdle muscular dystrophy based on the ACMG/AMP criteria applied, as specified by the ClinGen LGMD VCEP (LGMD VCEP specifications version 1.0.0; 05/14/2025): PM3_Very Strong, PP4_Strong, PP3, PM2_Supporting.

Labcorp Genetics (formerly Invitae), Labcorp
Classification: Pathogenic for Autosomal recessive limb-girdle muscular dystrophy type 2A. Last evaluated: 2025-12-31. Review status: criteria provided, single submitter. Criteria: Invitae Variant Classification Sherloc (09022015). Collection method: clinical testing. Allele origin: germline. Not counted in ClinVar's aggregate classification.
Comment: This sequence change replaces alanine, which is neutral and non-polar, with valine, which is neutral and non-polar, at codon 702 of the CAPN3 protein (p.Ala702Val). This variant is present in population databases (no rsID available, gnomAD 0.002%). This missense change has been observed in individuals with autosomal recessive limb-girdle muscular dystrophy (PMID: 9150160, 16141003, 17236769, 27234031, 27262448, 30056071). It has also been observed to segregate with disease in related individuals. ClinVar contains an entry for this variant (Variation ID: 283099). Invitae Evidence Modeling of protein sequence and biophysical properties (such as structural, functional, and spatial information, amino acid conservation, physicochemical variation, residue mobility, and thermodynamic stability) indicates that this missense variant is not expected to disrupt CAPN3 protein function with a negative predictive value of 80%. For these reasons, this variant has been classified as Pathogenic.

Natera, Inc.
Classification: Pathogenic for Limb-girdle muscular dystrophy type 2A. Last evaluated: 2025-11-21. Review status: criteria provided, single submitter. Criteria: Natera Variant Classification Schema (03/2026). Collection method: clinical testing. Allele origin: germline. Not counted in ClinVar's aggregate classification.
Comment: The c.2105C>T variant in CAPN3 is a missense variant predicted to cause substitution of alanine to valine at amino acid 702. This variant is rare in the general population with a frequency below the threshold expected for the associated phenotype(s). This variant has been observed in one or more individuals affected with the associated recessive disease, as either homozygous or compound heterozygous with a second variant (PMID: 31937337, 35741838, 36374152). Computational prediction algorithms indicate this variant is likely to affect gene or protein function. Given the available evidence, this variant is classified as Pathogenic.

Revvity Omics, Revvity
Classification: Pathogenic. Last evaluated: 2025-06-21. Review status: criteria provided, single submitter. Criteria: ACMG Guidelines, 2015. Collection method: clinical testing. Allele origin: germline. Not counted in ClinVar's aggregate classification.

3billion
Classification: Pathogenic for Autosomal recessive limb-girdle muscular dystrophy type 2A. Last evaluated: 2024-06-28. Review status: criteria provided, single submitter. Criteria: ACMG Guidelines, 2015. Collection method: clinical testing. Allele origin: germline. Affected: yes. Not counted in ClinVar's aggregate classification.
Comment: The variant is observed at an extremely low frequency in the gnomAD v4.0.0 dataset (total allele frequency: <0.001%). Predicted Consequence/Location: Missense variant In silico tool predictions suggest damaging effect of the variant on gene or gene product [REVEL: 0.77 (>=0.6, sensitivity 0.68 and specificity 0.92)]. The same nucleotide change resulting in the same amino acid change has been previously reported as pathogenic/likely pathogenic with strong evidence (ClinVar ID: VCV000283099 /PMID: 9150160 /3billion dataset). The variant has been reported to be in trans with a pathogenic variant as either compound heterozygous or homozygous in at least one similarly affected unrelated individual (PMID: 17236769, 27262448). The variant has been reported to co-segregate with the disease in at least one similarly affected relative/individual in the same family or similarly affected unrelated family (PMID: 30056071). Therefore, this variant is classified as Pathogenic according to the recommendation of ACMG/AMP guideline.

Kariminejad - Najmabadi Pathology & Genetics Center
Classification: Likely pathogenic for Autosomal recessive limb-girdle muscular dystrophy type 2A. Last evaluated: 2024-06-08. Review status: criteria provided, single submitter. Criteria: ACMG Guidelines, 2015. Collection method: clinical testing. Allele origin: germline. Inheritance: Autosomal recessive inheritance. Affected: yes. Not counted in ClinVar's aggregate classification.
Comment: PM5,PP5,PM2,PP3,PP2,PM1?

Baylor Genetics
Classification: Pathogenic for Muscular dystrophy, limb-girdle, autosomal dominant 4. Last evaluated: 2024-02-26. Review status: criteria provided, single submitter. Criteria: ACMG Guidelines, 2015. Collection method: clinical testing. Allele origin: unknown. Not counted in ClinVar's aggregate classification.

GeneDx
Classification: Likely pathogenic. Last evaluated: 2023-03-24. Review status: criteria provided, single submitter. Criteria: GeneDx Variant Classification Process June 2021. Collection method: clinical testing. Allele origin: germline. Affected: yes. Not counted in ClinVar's aggregate classification.
Comment: Not observed at a significant frequency in large population cohorts (gnomAD); In silico analysis supports that this missense variant has a deleterious effect on protein structure/function; This variant is associated with the following publications: (PMID: 30056071, 27234031, 10330340, 9150160, 19556129, 16411092, 16650086, 15757244, 9266733, 27262448, 17994539, 17236769, 16141003, 35741838)

Eurofins Ntd Llc (ga)
Classification: Likely pathogenic. Last evaluated: 2015-09-15. Review status: criteria provided, single submitter. Criteria: EGL Classification Definitions 2015. Collection method: clinical testing. Allele origin: germline. Observed: 4 variant alleles, 4 heterozygotes. Not counted in ClinVar's aggregate classification.

Juno Genomics, Hangzhou Juno Genomics, Inc
Classification: Pathogenic for Autosomal recessive limb-girdle muscular dystrophy type 2A. Review status: criteria provided, single submitter. Criteria: ACMG Guidelines, 2015. Collection method: clinical testing. Allele origin: germline. Not counted in ClinVar's aggregate classification.
Comment: Absent from controls (or at extremely low frequency if recessive) in Genome Aggregation Database.;Multiple lines of computational evidence support a deleterious effect on the gene or gene product.;For recessive disorders, detected in trans with a pathogenic variant.;Patient's phenotype or family history is highly specific for a disease with a single genetic etiology.

Counsyl
Classification: Likely pathogenic for Autosomal recessive limb-girdle muscular dystrophy type 2A. Last evaluated: 2017-09-13. Review status: no assertion criteria provided. Collection method: clinical testing. Allele origin: unknown. Not counted in ClinVar's aggregate classification.

Literature cited by the submitters: PubMed 9150160 (cited by 4 submitters); PubMed 16141003 (cited by 3 submitters); PubMed 17236769 (cited by 3 submitters); PubMed 27234031 (cited by Labcorp Genetics (formerly Invitae), Labcorp); PubMed 27262448 (cited by 3 submitters); PubMed 30056071 (cited by Labcorp Genetics (formerly Invitae), Labcorp and 3billion); PubMed 31937337 (cited by Natera, Inc.); PubMed 35741838 (cited by Natera, Inc.); PubMed 36374152 (cited by Natera, Inc.); PubMed 10330340 (cited by Eurofins Ntd Llc (ga)); PubMed 16650086 (cited by Eurofins Ntd Llc (ga)); PubMed 19556129 (cited by Counsyl); PubMed 17994539 (cited by Counsyl).

NM_000070.3(CAPN3):c.2105C>T (p.Ala702Val)

Gene: CAPN3 (calpain 3; plus strand). Cytogenetic location: 15q15.1.
Variant type: single nucleotide variant.
Coding change: c.2105C>T on transcript NM_000070.3 (MANE Select); coding-DNA position 2105, C replaced by T.
Protein change: p.Ala702Val; replaces alanine 702 with valine.
Molecular consequence: missense variant.
Genome position (GRCh38, 1-based): chr15:42,409,985, C>T. VCF-style: chr15-42409985-C-T. GRCh37 (hg19) VCF-style: chr15-42702183-C-T.
Other names: NM_000070.3(CAPN3):c.2105C>T; c.2087C>T, p.Ala696Val (NM_024344.2); c.1829C>T, p.Ala610Val (NM_173087.2); c.569C>T, p.Ala190Val (NM_173088.2); c.110C>T, p.Ala37Val (NM_173089.2, NM_173090.2); short protein forms A702V, A37V, A696V, A190V, A610V.
Identifiers: ClinVar variation 283099 (VCV000283099.24), dbSNP rs886042557, ClinGen allele CA10604398.